The following is an entry in ClinVar:

NM_001382391.1(CSPP1):c.1400C>A (p.Ser467Tyr)

Gene: CSPP1 (centrosome and spindle pole associated protein 1; plus strand). Cytogenetic location: 8q13.2.
Variant type: single nucleotide variant.
Coding change: c.1400C>A on transcript NM_001382391.1 (MANE Select); coding-DNA position 1400, C replaced by A.
Protein change: p.Ser467Tyr; replaces serine 467 with tyrosine.
Molecular consequence: missense variant.
Genome position (GRCh38, 1-based): chr8:67,116,026, C>A. VCF-style: chr8-67116026-C-A. GRCh37 (hg19) VCF-style: chr8-68028261-C-A.
Other names: c.503C>A, p.Ser168Tyr (NM_001291339.2); c.1319C>A, p.Ser440Tyr (NM_001363131.2); c.1358C>A, p.Ser453Tyr (NM_001363132.2); c.1277C>A, p.Ser426Tyr (NM_001363133.2); c.1466C>A, p.Ser489Tyr (NM_001364869.1); c.1286C>A, p.Ser429Tyr (NM_001364870.1); c.1385C>A, p.Ser462Tyr (NM_024790.7); short protein forms S453Y, S426Y, S440Y, S462Y, S489Y, S168Y, S429Y, S467Y.
Identifiers: ClinVar variation 1499538 (VCV001499538.6), dbSNP rs974893054, ClinGen allele CA178209782.

ClinVar aggregate classification (germline): Uncertain significance (1 of 4 stars; one submission).

Conditions:
Joubert syndrome 21 (JBTS21). Identifiers: MedGen C3810212, MONDO:0014288, OMIM 615636.

Allele frequency attached by ClinVar (database versions not stated): gnomAD exomes below 0.00001 and 0.00001; gnomAD 0.00001; TOPMed 0.00002.
gnomAD v4.1: 9 of 1,613,928 alleles (0.00056%); highest among the groups gnomAD compares: Non-Finnish European, 0.00076%; no homozygotes.

Submission:

Labcorp Genetics (formerly Invitae), Labcorp
Classification: Uncertain significance for Joubert syndrome 21. Last evaluated: 2022-06-20. Review status: criteria provided, single submitter. Criteria: Invitae Variant Classification Sherloc (09022015). Collection method: clinical testing. Allele origin: germline.
Comment: In summary, the available evidence is currently insufficient to determine the role of this variant in disease. Therefore, it has been classified as a Variant of Uncertain Significance. Algorithms developed to predict the effect of missense changes on protein structure and function are either unavailable or do not agree on the potential impact of this missense change (SIFT: "Deleterious"; PolyPhen-2: "Probably Damaging"; Align-GVGD: "Class C0"). This variant has not been reported in the literature in individuals affected with CSPP1-related conditions. This variant is present in population databases (no rsID available, gnomAD 0.0009%). This sequence change replaces serine, which is neutral and polar, with tyrosine, which is neutral and polar, at codon 462 of the CSPP1 protein (p.Ser462Tyr).